The following is an entry in ClinVar:

NM_017636.4(TRPM4):c.1928T>G (p.Leu643Arg)

Gene: TRPM4 (transient receptor potential cation channel subfamily M member 4; plus strand). Cytogenetic location: 19q13.33.
Variant type: single nucleotide variant.
Coding change: c.1928T>G on transcript NM_017636.4 (MANE Select); coding-DNA position 1928, T replaced by G.
Protein change: p.Leu643Arg; replaces leucine 643 with arginine.
Molecular consequence: missense variant.
Genome position (GRCh38, 1-based): chr19:49,189,000, T>G. VCF-style: chr19-49189000-T-G. GRCh37 (hg19) VCF-style: chr19-49692257-T-G.
Other names: c.1928T>G, p.Leu643Arg (NM_001195227.2); c.1583T>G, p.Leu528Arg (NM_001321281.2); c.320T>G, p.Leu107Arg (NM_001321282.2); c.1406T>G, p.Leu469Arg (NM_001321283.2); c.866T>G, p.Leu289Arg (NM_001321285.2); short protein forms L289R, L528R, L469R, L107R, L643R.
Identifiers: ClinVar variation 3721157 (VCV003721157.2).
Genomic context (GRCh38, chr19:49,189,000, plus strand): 5'-CCCCAGACCTCTTTGGCGAGTGCTATCGCAGCAGTGAGGTGAGGGCTGCCCGCCTCCTCC[T>G]CCGTCGCTGCCCGCTCTGGGGGGATGCCACTTGCCTCCAGCTGGCCATGCAAGCTGACGC-3'
Protein context (NP_060106.2, residues 633-653): SSEVRAARLL[Leu643Arg]RRCPLWGDAT

ClinVar aggregate classification (germline): Uncertain significance (1 of 4 stars; one submission).

Conditions:
Progressive familial heart block type IB (PFHB1B). Identifiers: Orphanet 871, MedGen C1970298, MONDO:0011474, OMIM 604559.

gnomAD v4.1: 9 of 1,614,028 alleles (0.00056%); highest among the groups gnomAD compares: Admixed American, 0.015%; no homozygotes.

Submission:

Labcorp Genetics (formerly Invitae), Labcorp
Classification: Uncertain significance for Progressive familial heart block type IB. Last evaluated: 2025-12-08. Review status: criteria provided, single submitter. Criteria: Invitae Variant Classification Sherloc (09022015). Collection method: clinical testing. Allele origin: germline.
Comment: This sequence change replaces leucine, which is neutral and non-polar, with arginine, which is basic and polar, at codon 643 of the TRPM4 protein (p.Leu643Arg). This variant is present in population databases (rs752491832, gnomAD 0.02%). This variant has not been reported in the literature in individuals affected with TRPM4-related conditions. ClinVar contains an entry for this variant (Variation ID: 3721157). An algorithm developed to predict the effect of missense changes on protein structure and function (PolyPhen-2) suggests that this variant is likely to be disruptive. In summary, the available evidence is currently insufficient to determine the role of this variant in disease. Therefore, it has been classified as a Variant of Uncertain Significance.